The following is an entry in ClinVar:

ClinVar aggregate classification (germline): Likely benign (1 of 4 stars; one submission).

gnomAD v4.1: 549 of 1,471,858 alleles (0.037%); highest among the groups gnomAD compares: South Asian, 0.54%; 5 homozygotes.

Submission:

CeGaT Center for Human Genetics Tuebingen
Classification: Likely benign. Last evaluated: 2026-06-01. Review status: criteria provided, single submitter. Criteria: CeGaT Center For Human Genetics Tuebingen Variant Classification Criteria Version 2. Collection method: clinical testing. Allele origin: germline. Affected: yes. Observed: 1 variant allele.
Comment: ZFHX2: BP4, BP7

NM_033400.3(ZFHX2):c.2766C>T (p.Ile922=)

Genes: THTPA (thiamine triphosphatase; plus strand), ZFHX2 (zinc finger homeobox 2; minus strand). Cytogenetic location: 14q11.2.
Variant type: single nucleotide variant.
Coding change: c.2766C>T on transcript NM_033400.3 (MANE Select); coding-DNA position 2766, C replaced by T.
Protein change: p.Ile922=; no amino-acid change (isoleucine 922 retained).
Molecular consequence: synonymous variant.
Genome position (GRCh38, 1-based): chr14:23,531,515, G>A on the plus strand (C>T on the coding strand, the complement: ZFHX2 is on the minus strand). VCF-style: chr14-23531515-G-A. GRCh37 (hg19) VCF-style: chr14-24000724-G-A.
Identifiers: ClinVar variation 4872745 (VCV004872745.2).
Genomic context (GRCh38, chr14:23,531,515, plus strand): 5'-TTATTCTCCAGTCCCTTCTTCCTCACCGGGAGTCCGGAGCTGCCCGTGGCTGAAGCTCAG[G>A]ATGCTCTGAAGAGCTGCGAGTCCTTCCTCAGTGGTTGGGCCATTCTGTAGCAGCTGCAGA-3'
Protein context (NP_207646.2, residues 912-932): TEEGLAALQS[Ile922=]LSFSHGQLRT